The following is an entry in ClinVar:

NM_001376.5(DYNC1H1):c.13261G>A (p.Ala4421Thr)

Gene: DYNC1H1 (dynein cytoplasmic 1 heavy chain 1; plus strand). Cytogenetic location: 14q32.31.
Variant type: single nucleotide variant.
Coding change: c.13261G>A on transcript NM_001376.5 (MANE Select); coding-DNA position 13261, G replaced by A.
Protein change: p.Ala4421Thr; replaces alanine 4421 with threonine.
Molecular consequence: missense variant.
Genome position (GRCh38, 1-based): chr14:102,048,558, G>A. VCF-style: chr14-102048558-G-A. GRCh37 (hg19) VCF-style: chr14-102514895-G-A.
Other names: short protein forms A4421T.
Identifiers: ClinVar variation 434998 (VCV000434998.15), dbSNP rs376492799, ClinGen allele CA7354195.

ClinVar aggregate classification (germline): Conflicting classifications of pathogenicity. Review status: criteria provided, conflicting classifications (1 of 4 stars). 4 submissions from 4 submitters: Uncertain significance (3); Likely benign (1). Last evaluated 2026-01-07.

Conditions:
DYNC1H1-related disorder. Also called: DYNC1H1-related disorders; DYNC1H1-related condition. Identifiers: MedGen CN381529.
Charcot-Marie-Tooth disease axonal type 2O. Also called: Charcot-Marie-Tooth Neuropathy Type 2O; CHARCOT-MARIE-TOOTH NEUROPATHY, AXONAL, TYPE 2O; CHARCOT-MARIE-TOOTH DISEASE, AXONAL, AUTOSOMAL DOMINANT, TYPE 2O; Charcot-Marie-Tooth disease, axonal, type 20. Identifiers: Orphanet 284232, MedGen C3280220, MONDO:0013644, OMIM 614228.

Allele frequency attached by ClinVar (database versions not stated): TOPMed 0.00001; gnomAD 0.00003.
gnomAD v4.1: 28 of 1,614,084 alleles (0.0017%); highest among the groups gnomAD compares: Non-Finnish European, 0.0019%; no homozygotes.

Submissions (4):

PreventionGenetics, part of Exact Sciences
Classification: Uncertain significance for DYNC1H1-related condition. Last evaluated: 2026-01-07. Review status: criteria provided, single submitter. Criteria: ACMG Guidelines, 2015. Collection method: clinical testing. Allele origin: germline.
Comment: The DYNC1H1 c.13261G>A variant is predicted to result in the amino acid substitution p.Ala4421Thr. To our knowledge, this variant has not been reported in the literature. This variant is reported in 0.0046% of alleles in individuals of European (Finnish) descent in gnomAD. At this time, the clinical significance of this variant is uncertain due to the absence of conclusive functional and genetic evidence.

Labcorp Genetics (formerly Invitae), Labcorp
Classification: Likely benign for Charcot-Marie-Tooth disease axonal type 2O. Last evaluated: 2025-01-14. Review status: criteria provided, single submitter. Criteria: Invitae Variant Classification Sherloc (09022015). Collection method: clinical testing. Allele origin: germline.

GeneDx
Classification: Uncertain significance. Last evaluated: 2024-12-05. Review status: criteria provided, single submitter. Criteria: GeneDx Variant Classification Process June 2021. Collection method: clinical testing. Allele origin: germline. Affected: yes.
Comment: In silico analysis indicates that this missense variant does not alter protein structure/function; Has not been previously published as pathogenic or benign to our knowledge; This variant is associated with the following publications: (PMID: 25512093, 25609763, 26100331)

Genetic Services Laboratory, University of Chicago
Classification: Uncertain significance. Last evaluated: 2015-09-30. Review status: criteria provided, single submitter. Criteria: ACMG Guidelines, 2015. Collection method: clinical testing. Allele origin: germline. Affected: no.